The following is an entry in ClinVar:

NM_005751.5(AKAP9):c.11342T>C (p.Leu3781Ser)

Gene: AKAP9 (A-kinase anchoring protein 9; plus strand). Cytogenetic location: 7q21.2.
Variant type: single nucleotide variant.
Coding change: c.11342T>C on transcript NM_005751.5 (MANE Select); coding-DNA position 11342, T replaced by C.
Protein change: p.Leu3781Ser; replaces leucine 3781 with serine.
Molecular consequence: missense variant.
Genome position (GRCh38, 1-based): chr7:92,105,689, T>C. VCF-style: chr7-92105689-T-C. GRCh37 (hg19) VCF-style: chr7-91735003-T-C.
Other names: c.5987T>C, p.Leu1996Ser (NM_001379277.1); c.11318T>C, p.Leu3773Ser (NM_147185.3); short protein forms L1996S, L3781S, L3773S.
Identifiers: ClinVar variation 1346722 (VCV001346722.12), dbSNP rs779122050, ClinGen allele CA4338172.

ClinVar aggregate classification (germline): Uncertain significance. Review status: criteria provided, multiple submitters, no conflicts (2 of 4 stars). 3 submissions from 3 submitters: Uncertain significance (3). Last evaluated 2026-02-03.

Conditions:
Cardiovascular phenotype. Identifiers: MedGen CN230736.
Long QT syndrome 11 (LQT11). Identifiers: Orphanet 101016, Orphanet 768, MedGen C2678483, MONDO:0012738, OMIM 611820.
Long QT syndrome (LQTS). Identifiers: MedGen C0023976, MeSH D008133, MONDO:0002442. Disease mechanism: loss of function. Inheritance: Various modes of inheritance.

Allele frequency attached by ClinVar (database versions not stated): gnomAD 0.00001; TOPMed 0.00001; ExAC 0.00002.
gnomAD v4.1: 106 of 1,613,906 alleles (0.0066%); highest among the groups gnomAD compares: Non-Finnish European, 0.0086%; no homozygotes.

Submissions (3):

Labcorp Genetics (formerly Invitae), Labcorp
Classification: Uncertain significance for Long QT syndrome. Last evaluated: 2026-02-03. Review status: criteria provided, single submitter. Criteria: Invitae Variant Classification Sherloc (09022015). Collection method: clinical testing. Allele origin: germline.
Comment: This sequence change replaces leucine, which is neutral and non-polar, with serine, which is neutral and polar, at codon 3781 of the AKAP9 protein (p.Leu3781Ser). This variant is present in population databases (rs779122050, gnomAD 0.004%). This variant has not been reported in the literature in individuals affected with AKAP9-related conditions. ClinVar contains an entry for this variant (Variation ID: 1346722). An algorithm developed to predict the effect of missense changes on protein structure and function (PolyPhen-2) suggests that this variant is likely to be disruptive. In summary, the available evidence is currently insufficient to determine the role of this variant in disease. Therefore, it has been classified as a Variant of Uncertain Significance.

Ambry Genetics
Classification: Uncertain significance for Cardiovascular phenotype. Last evaluated: 2024-03-30. Review status: criteria provided, single submitter. Criteria: Ambry Variant Classification Scheme 2023. Collection method: clinical testing. Allele origin: germline.
Comment: The p.L3781S variant (also known as c.11342T>C), located in coding exon 47 of the AKAP9 gene, results from a T to C substitution at nucleotide position 11342. The leucine at codon 3781 is replaced by serine, an amino acid with dissimilar properties. This amino acid position is highly conserved in available vertebrate species. In addition, the in silico prediction for this alteration is inconclusive. Since supporting evidence is limited at this time, the clinical significance of this alteration remains unclear.

Fulgent Genetics
Classification: Uncertain significance for Long QT syndrome 11. Last evaluated: 2021-11-09. Review status: criteria provided, single submitter. Criteria: ACMG Guidelines, 2015. Collection method: clinical testing. Allele origin: unknown.